The following is an entry in ClinVar:

NM_020975.6(RET):c.682G>C (p.Ala228Pro)

Gene: RET (ret proto-oncogene; plus strand). Cytogenetic location: 10q11.21.
Variant type: single nucleotide variant.
Coding change: c.682G>C on transcript NM_020975.6 (MANE Select); coding-DNA position 682, G replaced by C.
Protein change: p.Ala228Pro; replaces alanine 228 with proline.
Molecular consequence: missense variant.
Genome position (GRCh38, 1-based): chr10:43,105,008, G>C. VCF-style: chr10-43105008-G-C. GRCh37 (hg19) VCF-style: chr10-43600456-G-C.
Other names: c.682G>C, p.Ala228Pro (NM_001406763.1, NM_001406765.1, NM_001406769.1 and 8 more transcripts); c.553G>C, p.Ala185Pro (NM_001406764.1, NM_001406768.1, NM_001406774.1 and 2 more transcripts); c.394G>C, p.Ala132Pro (NM_001406766.1, NM_001406767.1, NM_001406770.1); c.-81G>C (NM_001355216.2); short protein forms A228P, A132P, A185P.
Identifiers: ClinVar variation 220524 (VCV000220524.26), dbSNP rs760813493, ClinGen allele CA044503.

ClinVar aggregate classification (germline): Conflicting classifications of pathogenicity. Review status: criteria provided, conflicting classifications (1 of 4 stars). 9 submissions from 9 submitters: Uncertain significance (7); Likely benign (1). 1 of the submissions does not count toward it. Last evaluated 2026-04-22.

Conditions:
Pheochromocytoma. Also called: MAX-Related Hereditary Paraganglioma-Pheochromocytoma Syndrome. Identifiers: Orphanet 29072, MedGen C0031511, MONDO:0008233, OMIM 171300, HP:0002666.
Hirschsprung disease, susceptibility to, 1 (HSCR1). Also called: RET-Related Hirschsprung Disease. Identifiers: Orphanet 388, MedGen C3888239, MONDO:0007723, OMIM 142623.
Familial medullary thyroid carcinoma (MTC). Also called: Thyroid cancer, familial medullary; MTC, familial; Familial Medullary Thyroid Carcinoma (FMTC). Identifiers: Orphanet 653, Orphanet 99361, MedGen C1833921, MONDO:0007958, OMIM 155240.
Multiple endocrine neoplasia type 2B. Also called: WAGENMANN-FROBOESE SYNDROME; MULTIPLE ENDOCRINE NEOPLASIA, TYPE III; MEN 2B; MUCOSAL NEUROMA SYNDROME; MULTIPLE ENDOCRINE NEOPLASIA, TYPE IIB; MEN IIB. Identifiers: Orphanet 247709, Orphanet 653, MedGen C0025269, MeSH D018814, MONDO:0008082, OMIM 162300.
Multiple endocrine neoplasia type 2A. Also called: MULTIPLE ENDOCRINE NEOPLASIA, TYPE IIA; PTC SYNDROME; SIPPLE SYNDROME; MEN 2A; MEN-2A syndrome; Pheochromocytoma and amyloid producing medullary thyroid carcinoma. Identifiers: Orphanet 247698, Orphanet 653, MedGen C0025268, MeSH D018813, MONDO:0008234, OMIM 171400.
Inherited phaeochromocytoma and paraganglioma excluding NF1.
RET-related disorder. Also called: RET-related disorders; RET-related condition; RET-related disease.
Hereditary cancer-predisposing syndrome. Also called: Tumor predisposition; Hereditary neoplastic syndrome; Neoplastic Syndromes, Hereditary; Hereditary Cancer Syndrome. Identifiers: Orphanet 140162, MedGen C0027672, MeSH D009386, MONDO:0015356.
Multiple endocrine neoplasia, type 2 (MEN2). Identifiers: Orphanet 653, MedGen C4048306, MONDO:0019003. Disease mechanism: gain of function.

Allele frequency attached by ClinVar (database versions not stated): ExAC 0.00002; gnomAD 0.00002; gnomAD exomes 0.00003; TOPMed 0.00003.
gnomAD v4.1: 196 of 1,594,736 alleles (0.012%); highest among the groups gnomAD compares: Non-Finnish European, 0.016%; no homozygotes.

Submissions (9):

NHS Central & South Genomic Laboratory Hub
Classification: Uncertain significance for Inherited phaeochromocytoma and paraganglioma excluding NF1. Last evaluated: 2026-04-22. Review status: criteria provided, single submitter. Criteria: ACMG Guidelines, 2015. Collection method: clinical testing. Allele origin: germline. Affected: yes.

Labcorp Genetics (formerly Invitae), Labcorp
Classification: Uncertain significance for Multiple endocrine neoplasia, type 2. Last evaluated: 2026-01-28. Review status: criteria provided, single submitter. Criteria: Invitae Variant Classification Sherloc (09022015). Collection method: clinical testing. Allele origin: germline.
Comment: This sequence change replaces alanine, which is neutral and non-polar, with proline, which is neutral and non-polar, at codon 228 of the RET protein (p.Ala228Pro). This variant is present in population databases (rs760813493, gnomAD 0.006%). This variant has not been reported in the literature in individuals affected with RET-related conditions. ClinVar contains an entry for this variant (Variation ID: 220524). An algorithm developed to predict the effect of missense changes on protein structure and function outputs the following: PolyPhen-2: "Benign". The proline amino acid residue is found in multiple mammalian species, which suggests that this missense change does not adversely affect protein function. In summary, the available evidence is currently insufficient to determine the role of this variant in disease. Therefore, it has been classified as a Variant of Uncertain Significance.

Molecular Pathology, Peter Maccallum Cancer Centre
Classification: Uncertain significance for Multiple endocrine neoplasia, type 2. Last evaluated: 2024-10-16. Review status: criteria provided, single submitter. Criteria: ACMG Guidelines, 2015. Collection method: clinical testing. Allele origin: germline. Inheritance: Autosomal dominant inheritance.

GeneDx
Classification: Uncertain significance. Last evaluated: 2024-05-24. Review status: criteria provided, single submitter. Criteria: GeneDx Variant Classification Process June 2021. Collection method: clinical testing. Allele origin: germline. Affected: yes.
Comment: In silico analysis indicates that this missense variant does not alter protein structure/function; Has not been previously published as pathogenic or benign to our knowledge; This variant is associated with the following publications: (PMID: 14633923)

All of Us Research Program, National Institutes of Health
Classification: Uncertain significance for Multiple endocrine neoplasia, type 2. Last evaluated: 2023-12-13. Review status: criteria provided, single submitter. Criteria: ACMG Guidelines, 2015. Collection method: clinical testing. Allele origin: germline. Inheritance: Autosomal dominant inheritance. Observed: 11 variant alleles, 11 heterozygotes.
Comment: This missense variant replaces alanine with proline at codon 228 of the RET protein. Computational prediction suggests that this variant may not impact protein structure and function (internally defined REVEL score threshold <= 0.5, PMID: 27666373). To our knowledge, functional studies have not been reported for this variant. This variant has not been reported in individuals affected with RET-related disorders in the literature. This variant has been identified in 7/251672 chromosomes in the general population by the Genome Aggregation Database (gnomAD). The available evidence is insufficient to determine the role of this variant in disease conclusively. Therefore, this variant is classified as a Variant of Uncertain Significance.

This study involves interpretation of variants in research participants for the purpose of population health screening. Participant phenotype was not available at the time of variant classification. Additional details can be found in publication PMID: 35346344, PMCID: PMC8962531

Color Diagnostics, LLC DBA Color Health
Classification: Uncertain significance for Multiple endocrine neoplasia, type 2. Last evaluated: 2023-11-15. Review status: criteria provided, single submitter. Criteria: ACMG Guidelines, 2015. Collection method: clinical testing. Allele origin: germline.
Comment: This missense variant replaces alanine with proline at codon 228 of the RET protein. Computational prediction suggests that this variant may not impact protein structure and function. To our knowledge, functional studies have not been reported for this variant. This variant has not been reported in individuals affected with RET-related disorders in the literature. This variant has been identified in 7/251672 chromosomes in the general population by the Genome Aggregation Database (gnomAD). The available evidence is insufficient to determine the role of this variant in disease conclusively. Therefore, this variant is classified as a Variant of Uncertain Significance.

Ambry Genetics
Classification: Likely benign for Hereditary cancer-predisposing syndrome. Last evaluated: 2022-07-26. Review status: criteria provided, single submitter. Criteria: Ambry Variant Classification Scheme 2023. Collection method: clinical testing. Allele origin: germline.

Fulgent Genetics
Classification: Uncertain significance for Hirschsprung disease, susceptibility to, 1; Familial medullary thyroid carcinoma; Multiple endocrine neoplasia type 2B; Pheochromocytoma; Multiple endocrine neoplasia type 2A. Last evaluated: 2022-05-26. Review status: criteria provided, single submitter. Criteria: ACMG Guidelines, 2015. Collection method: clinical testing. Allele origin: unknown.

PreventionGenetics, part of Exact Sciences
Classification: Uncertain significance for RET-related condition. Last evaluated: 2024-01-03. Review status: no assertion criteria provided. Collection method: clinical testing. Allele origin: germline. Not counted in ClinVar's aggregate classification.
Comment: The RET c.682G>C variant is predicted to result in the amino acid substitution p.Ala228Pro. To our knowledge, this variant has not been reported in the literature. This variant is reported in 0.0060% of alleles in individuals of European (Non-Finnish) descent in gnomAD. It has conflicting interpretations of likely benign and uncertain significance in ClinVar. At this time, the clinical significance of this variant is uncertain due to the absence of conclusive functional and genetic evidence.